The following is an entry in ClinVar:

ClinVar aggregate classification (germline): Pathogenic (1 of 4 stars; one submission).

Conditions:
Ehlers-Danlos syndrome, type 4 (EDSVASC). Also called: Ehlers-Danlos syndrome vascular type; Ehlers Danlos syndrome, ecchymotic type; Ehlers Danlos syndrome, arterial type; Ehlers Danlos syndrome, Sack-Barabas type; Ehlers-Danlos Syndrome Type IV. Identifiers: Orphanet 286, MedGen C0268338, MONDO:0017314, OMIM 130050.

Submission:

Labcorp Genetics (formerly Invitae), Labcorp
Classification: Pathogenic for Ehlers-Danlos syndrome, type 4. Last evaluated: 2023-08-27. Review status: criteria provided, single submitter. Criteria: Invitae Variant Classification Sherloc (09022015). Collection method: clinical testing. Allele origin: germline.
Comment: For these reasons, this variant has been classified as Pathogenic. ClinVar contains an entry for this variant (Variation ID: 566570). This premature translational stop signal has been observed in individual(s) with vascular Ehlers-Danlos syndrome (PMID: 22038052). This variant is not present in population databases (gnomAD no frequency). This sequence change creates a premature translational stop signal (p.Gln857*) in the COL3A1 gene. It is expected to result in an absent or disrupted protein product. Loss-of-function variants in COL3A1 are known to be pathogenic (PMID: 24922459).

Literature cited by the submitters: PubMed 22038052; PubMed 24922459.

NM_000090.4(COL3A1):c.2569C>T (p.Gln857Ter)

Gene: COL3A1 (collagen type III alpha 1 chain; plus strand). Cytogenetic location: 2q32.2.
Variant type: single nucleotide variant.
Coding change: c.2569C>T on transcript NM_000090.4 (MANE Select); coding-DNA position 2569, C replaced by T.
Protein change: p.Gln857Ter; replaces glutamine 857 with a stop codon.
Molecular consequence: nonsense.
Genome position (GRCh38, 1-based): chr2:189,003,426, C>T. VCF-style: chr2-189003426-C-T. GRCh37 (hg19) VCF-style: chr2-189868152-C-T.
Other names: short protein forms Q857*.
Identifiers: ClinVar variation 566570 (VCV000566570.9), dbSNP rs1559060412, ClinGen allele CA349843451.